The following is an entry in ClinVar:

NM_004519.4(KCNQ3):c.2210C>T (p.Ser737Leu)

Gene: KCNQ3 (potassium voltage-gated channel subfamily Q member 3; minus strand). Cytogenetic location: 8q24.22.
Variant type: single nucleotide variant.
Coding change: c.2210C>T on transcript NM_004519.4 (MANE Select); coding-DNA position 2210, C replaced by T.
Protein change: p.Ser737Leu; replaces serine 737 with leucine.
Molecular consequence: missense variant.
Genome position (GRCh38, 1-based): chr8:132,129,671, G>A on the plus strand (C>T on the coding strand, the complement: KCNQ3 is on the minus strand). VCF-style: chr8-132129671-G-A. GRCh37 (hg19) VCF-style: chr8-133141918-G-A.
Other names: c.1850C>T, p.Ser617Leu (NM_001204824.2); short protein forms S617L, S737L.
Identifiers: ClinVar variation 3660183 (VCV003660183.2).

ClinVar aggregate classification (germline): Uncertain significance (1 of 4 stars; one submission).

Conditions:
Benign neonatal seizures. Also called: Convulsions benign familial neonatal dominant form; Autosomal dominant form of benign neonatal seizures; Benign familial neonatal seizures; Benign neonatal familial convulsions; Benign familial neonatal epilepsy. Identifiers: Orphanet 1949, MedGen C0220669, MONDO:0016027.

gnomAD v4.1: 2 of 1,614,168 alleles (0.00012%); highest among the groups gnomAD compares: Non-Finnish European, 0.00017%; no homozygotes.

Submission:

Labcorp Genetics (formerly Invitae), Labcorp
Classification: Uncertain significance for Benign neonatal seizures. Last evaluated: 2024-02-14. Review status: criteria provided, single submitter. Criteria: Invitae Variant Classification Sherloc (09022015). Collection method: clinical testing. Allele origin: germline.
Comment: This sequence change replaces serine, which is neutral and polar, with leucine, which is neutral and non-polar, at codon 737 of the KCNQ3 protein (p.Ser737Leu). This variant is present in population databases (no rsID available, gnomAD 0.002%). This variant has not been reported in the literature in individuals affected with KCNQ3-related conditions. Advanced modeling of protein sequence and biophysical properties (such as structural, functional, and spatial information, amino acid conservation, physicochemical variation, residue mobility, and thermodynamic stability) performed at Invitae indicates that this missense variant is not expected to disrupt KCNQ3 protein function with a negative predictive value of 95%. In summary, the available evidence is currently insufficient to determine the role of this variant in disease. Therefore, it has been classified as a Variant of Uncertain Significance.